The following is an entry in ClinVar:

ClinVar aggregate classification (germline): Uncertain significance (1 of 4 stars; one submission).

Conditions:
Familial focal epilepsy with variable foci (FPEVF). Identifiers: Orphanet 98820, MedGen C1858477, MONDO:0020310.

Submission:

Labcorp Genetics (formerly Invitae), Labcorp
Classification: Uncertain significance for Familial focal epilepsy with variable foci. Last evaluated: 2023-07-25. Review status: criteria provided, single submitter. Criteria: Invitae Variant Classification Sherloc (09022015). Collection method: clinical testing. Allele origin: germline.
Comment: This variant has not been reported in the literature in individuals affected with DEPDC5-related conditions. This variant is not present in population databases (gnomAD no frequency). This sequence change replaces glutamic acid, which is acidic and polar, with lysine, which is basic and polar, at codon 265 of the DEPDC5 protein (p.Glu265Lys). In summary, the available evidence is currently insufficient to determine the role of this variant in disease. Therefore, it has been classified as a Variant of Uncertain Significance. Experimental studies and prediction algorithms are not available or were not evaluated, and the functional significance of this variant is currently unknown.

NM_001242896.3(DEPDC5):c.793G>A (p.Glu265Lys)

Gene: DEPDC5 (DEP domain containing 5, GATOR1 subcomplex subunit; plus strand). Cytogenetic location: 22q12.2.
Variant type: single nucleotide variant.
Coding change: c.793G>A on transcript NM_001242896.3 (MANE Select); coding-DNA position 793, G replaced by A.
Protein change: p.Glu265Lys; replaces glutamic acid 265 with lysine.
Molecular consequence: missense variant. On other transcripts: non-coding transcript variant (5).
Genome position (GRCh38, 1-based): chr22:31,797,625, G>A. VCF-style: chr22-31797625-G-A. GRCh37 (hg19) VCF-style: chr22-32193611-G-A.
Other names: c.793G>A, p.Glu265Lys (NM_001007188.4, NM_001136029.4, NM_001242897.2 and 7 more transcripts); c.709G>A, p.Glu237Lys (NM_001369901.1, NM_001369902.1); short protein forms E237K, E265K.
Identifiers: ClinVar variation 2887639 (VCV002887639.3), dbSNP rs2518735904, ClinGen allele CA411290534.